The following is an entry in ClinVar:

ClinVar aggregate classification (germline): Uncertain significance. Review status: criteria provided, single submitter (1 of 4 stars). 2 submissions from 2 submitters: Uncertain significance (1). 1 of the submissions does not count toward it. Last evaluated 2022-06-17.

Conditions:
Inborn genetic diseases. Identifiers: MedGen C0950123, MeSH D030342.
VARS1-related disorder. Also called: VARS1-related condition.

Allele frequency attached by ClinVar (database versions not stated): ExAC 0.00003; 1000 Genomes Project 30x 0.00047; 1000 Genomes Project 0.00060.
gnomAD v4.1: 22 of 1,612,524 alleles (0.0014%); highest among the groups gnomAD compares: East Asian, 0.016%; no homozygotes.

Submissions (2):

Ambry Genetics
Classification: Uncertain significance for Inborn genetic diseases. Last evaluated: 2022-06-17. Review status: criteria provided, single submitter. Criteria: Ambry Variant Classification Scheme 2023. Collection method: clinical testing. Allele origin: germline.
Comment: The c.2150+3G>A intronic alteration consists of a G to A substitution 3 nucleotides after exon 17 (coding exon 16) of the VARS gene. Based on insufficient or conflicting evidence, the clinical significance of this alteration remains unclear.

PreventionGenetics, part of Exact Sciences
Classification: Likely benign for VARS1-related condition. Last evaluated: 2019-07-30. Review status: no assertion criteria provided. Collection method: clinical testing. Allele origin: germline. Not counted in ClinVar's aggregate classification.
Comment: This variant is classified as likely benign based on ACMG/AMP sequence variant interpretation guidelines (Richards et al. 2015 PMID: 25741868, with internal and published modifications).

NM_006295.3(VARS1):c.2150+3G>A

Gene: VARS1 (valyl-tRNA synthetase 1; minus strand). Cytogenetic location: 6p21.33.
Variant type: single nucleotide variant.
Coding change: c.2150+3G>A on transcript NM_006295.3 (MANE Select); 3 bases into the intron after coding-DNA position 2150, G replaced by A.
Molecular consequence: intron variant.
Genome position (GRCh38, 1-based): chr6:31,782,282, C>T on the plus strand (G>A on the coding strand, the complement: VARS1 is on the minus strand). VCF-style: chr6-31782282-C-T. GRCh37 (hg19) VCF-style: chr6-31750059-C-T.
Identifiers: ClinVar variation 3035804 (VCV003035804.3), dbSNP rs369903710, ClinGen allele CA3723080.